The following is an entry in ClinVar:

ClinVar aggregate classification (germline): Benign/Likely benign. Review status: criteria provided, multiple submitters, no conflicts (2 of 4 stars). 9 submissions from 9 submitters: Benign (2); Likely benign (4). 3 of the submissions do not count toward it. Last evaluated 2026-01-14.

Conditions:
Primary familial hypertrophic cardiomyopathy (HCM). Identifiers: Orphanet 99739, MedGen C0949658, MeSH D024741, MONDO:0024573. Inheritance: Various modes of inheritance.
Dilated cardiomyopathy 1AA (CMD1AA). Also called: CARDIOMYOPATHY, DILATED, 1AA, WITH OR WITHOUT LEFT VENTRICULAR NONCOMPACTION; CARDIOMYOPATHY, FAMILIAL HYPERTROPHIC, 23, WITH OR WITHOUT LEFT VENTRICULAR NONCOMPACTION; Cardiomyopathy, dilated, 1AA, with or without LVNC. Identifiers: Orphanet 154, MedGen C2677338, MONDO:0012808, OMIM 612158.

Allele frequency attached by ClinVar (database versions not stated): TOPMed 0.00011; gnomAD 0.00013 and 0.00014; ESP Exome Variant Server 0.00015; 1000 Genomes Project 30x 0.00031.
gnomAD v4.1: 275 of 1,613,764 alleles (0.017%); highest among the groups gnomAD compares: Non-Finnish European, 0.022%; no homozygotes.

Submissions (9):

Labcorp Genetics (formerly Invitae), Labcorp
Classification: Likely benign for Primary familial hypertrophic cardiomyopathy; Dilated cardiomyopathy 1AA. Last evaluated: 2026-01-14. Review status: criteria provided, single submitter. Criteria: Invitae Variant Classification Sherloc (09022015). Collection method: clinical testing. Allele origin: germline.

Blueprint Genetics
Classification: Likely benign. Last evaluated: 2024-11-06. Review status: criteria provided, single submitter. Criteria: ACMG Guidelines, 2015. Collection method: clinical testing. Allele origin: germline.

Women's Health and Genetics/Laboratory Corporation of America, LabCorp
Classification: Benign. Last evaluated: 2023-08-19. Review status: criteria provided, single submitter. Criteria: LabCorp Variant Classification Summary - May 2015. Collection method: clinical testing. Allele origin: germline.

GeneDx
Classification: Likely benign. Last evaluated: 2016-11-04. Review status: criteria provided, single submitter. Criteria: GeneDx Variant Classification (06012015). Collection method: clinical testing. Allele origin: germline. Affected: yes.
Comment: This variant is considered likely benign or benign based on one or more of the following criteria: it is a conservative change, it occurs at a poorly conserved position in the protein, it is predicted to be benign by multiple in silico algorithms, and/or has population frequency not consistent with disease.

Clinical Genetics DNA and cytogenetics Diagnostics Lab, Erasmus MC, Erasmus Medical Center
Classification: Benign for Dilated cardiomyopathy 1AA. Last evaluated: 2015-09-21. Review status: criteria provided, single submitter. Criteria: ACGS Guidelines, 2013. Collection method: clinical testing. Allele origin: germline. Affected: yes. Study: VKGL Data-share Consensus.

Laboratory for Molecular Medicine, Mass General Brigham Personalized Medicine
Classification: Likely benign. Last evaluated: 2012-03-19. Review status: criteria provided, single submitter. Criteria: LMM Criteria. Collection method: clinical testing. Allele origin: germline. Observed: 2 variant alleles.
Comment: c.615+15C>T in Intron 06 of ACTN2: This variant is not expected to have clinical significance because it is not located within the splice consensus sequence. It has been identified in 1/7020 European American chromosomes from a broad popula tion by the NHLBI Exome Sequencing Project.

Clinical Genetics, Academic Medical Center
Classification: Benign. Review status: no assertion criteria provided. Collection method: clinical testing. Allele origin: germline. Affected: yes. Study: VKGL Data-share Consensus. Not counted in ClinVar's aggregate classification.

Diagnostic Laboratory, Department of Genetics, University Medical Center Groningen
Classification: Likely benign for Dilated cardiomyopathy 1AA. Review status: no assertion criteria provided. Collection method: clinical testing. Allele origin: germline. Affected: yes. Study: VKGL Data-share Consensus. Not counted in ClinVar's aggregate classification.

Joint Genome Diagnostic Labs from Nijmegen and Maastricht, Radboudumc and MUMC+
Classification: Likely benign. Review status: no assertion criteria provided. Collection method: clinical testing. Allele origin: germline. Affected: yes. Study: VKGL Data-share Consensus. Not counted in ClinVar's aggregate classification.

NM_001103.4(ACTN2):c.615+15C>T

Gene: ACTN2 (actinin alpha 2; plus strand). Cytogenetic location: 1q43.
Variant type: single nucleotide variant.
Coding change: c.615+15C>T on transcript NM_001103.4 (MANE Select); 15 bases into the intron after coding-DNA position 615, C replaced by T.
Molecular consequence: intron variant.
Genome position (GRCh38, 1-based): chr1:236,727,771, C>T. VCF-style: chr1-236727771-C-T. GRCh37 (hg19) VCF-style: chr1-236891071-C-T.
Other names: c.-207+15C>T (NM_001278344.2); c.615+15C>T (NM_001278343.2).
Identifiers: ClinVar variation 178003 (VCV000178003.18), dbSNP rs369293885, ClinGen allele CA181156.